The following is an entry in ClinVar:

NM_014244.5(ADAMTS2):c.3007del (p.Arg1003fs)

Gene: ADAMTS2 (ADAM metallopeptidase with thrombospondin type 1 motif 2; minus strand). Cytogenetic location: 5q35.3.
Variant type: Deletion.
Coding change: c.3007del on transcript NM_014244.5 (MANE Select); coding-DNA position 3007, one base deleted (C; older notation c.3007delC).
Protein change: p.Arg1003fs; shifts the reading frame from arginine 1003.
Molecular consequence: frameshift variant.
Genome position (GRCh38, 1-based): chr5:179,122,725, G deleted on the plus strand (C on the coding strand, the reverse complement: ADAMTS2 is on the minus strand); the first of 2 consecutive G bases (chr5:179,122,725-179,122,726); deleting either gives the same sequence. VCF-style (leftmost placement, unchanged base first): chr5-179122724-CG-C. GRCh37 (hg19) VCF-style: chr5-178549725-CG-C.
Other names: short protein forms R1003fs.
Identifiers: ClinVar variation 2760679 (VCV002760679.3), dbSNP rs2480148279, ClinGen allele CA2697546597.

ClinVar aggregate classification (germline): Pathogenic (1 of 4 stars; one submission).

Conditions:
Ehlers-Danlos syndrome, dermatosparaxis type. Also called: Dermatosparaxis; EDS VIIC; Ehlers-Danlos syndrome, type VII, autosomal recessive. Identifiers: Orphanet 1901, MedGen C2700425, MONDO:0009161, OMIM 225410.

Submission:

Labcorp Genetics (formerly Invitae), Labcorp
Classification: Pathogenic for Ehlers-Danlos syndrome, dermatosparaxis type. Last evaluated: 2023-09-14. Review status: criteria provided, single submitter. Criteria: Invitae Variant Classification Sherloc (09022015). Collection method: clinical testing. Allele origin: germline.
Comment: This sequence change creates a premature translational stop signal (p.Arg1003Alafs*39) in the ADAMTS2 gene. It is expected to result in an absent or disrupted protein product. Loss-of-function variants in ADAMTS2 are known to be pathogenic (PMID: 10417273). For these reasons, this variant has been classified as Pathogenic. This variant has not been reported in the literature in individuals affected with ADAMTS2-related conditions. This variant is not present in population databases (gnomAD no frequency).

Literature cited by the submitters: PubMed 10417273.